The following is an entry in ClinVar:

NM_018089.3(ANKZF1):c.1308GAG[2] (p.Arg439del)

Gene: ANKZF1 (ankyrin repeat and zinc finger peptidyl tRNA hydrolase 1; plus strand). Cytogenetic location: 2q35.
Variant type: Microsatellite.
Coding change: c.1308GAG[2] on transcript NM_018089.3 (MANE Select); two copies in a row of the 3-base unit GAG starting at c.1308; the reference has three copies in a row; one copy, 3 bases deleted.
Protein change: p.Arg439del; deletes arginine 439.
Molecular consequence: inframe deletion.
Genome position (GRCh38, 1-based): chr2:219,234,935-219,234,937, GAG deleted; deleting any 3 consecutive bases within chr2:219,234,928-219,234,937 gives the same sequence; the position shown is the placement nearest the transcript's 3' end. VCF-style (leftmost placement, unchanged base first): chr2-219234927-CGGA-C. GRCh37 (hg19) VCF-style: chr2-220099649-CGGA-C.
Other names: c.1308GAG[2], p.Arg439del (NM_001042410.2); c.678GAG[2], p.Arg229del (NM_001282792.2); short protein forms R439del, R229del.
Identifiers: ClinVar variation 1382820 (VCV001382820.8), dbSNP rs748689495, ClinGen allele CA2121035.

ClinVar aggregate classification (germline): Uncertain significance (1 of 4 stars; one submission).

Submission:

Labcorp Genetics (formerly Invitae), Labcorp
Classification: Uncertain significance. Last evaluated: 2025-02-17. Review status: criteria provided, single submitter. Criteria: Invitae Variant Classification Sherloc (09022015). Collection method: clinical testing. Allele origin: germline.
Comment: This variant, c.1314_1316del, results in the deletion of 1 amino acid(s) of the ANKZF1 protein (p.Arg439del), but otherwise preserves the integrity of the reading frame. This variant is present in population databases (rs748689495, gnomAD 0.04%). This variant has not been reported in the literature in individuals affected with ANKZF1-related conditions. Experimental studies and prediction algorithms are not available or were not evaluated, and the functional significance of this variant is currently unknown. In summary, the available evidence is currently insufficient to determine the role of this variant in disease. Therefore, it has been classified as a Variant of Uncertain Significance.